The following is an entry in ClinVar:

NM_000179.3(MSH6):c.3254_3255delinsT (p.Thr1085fs)

Gene: MSH6 (mutS homolog 6; plus strand). Cytogenetic location: 2p16.3.
Variant type: Indel.
Coding change: c.3254_3255delinsT on transcript NM_000179.3 (MANE Select); coding-DNA positions 3254 to 3255, CC replaced by T.
Protein change: p.Thr1085fs; shifts the reading frame from threonine 1085.
Molecular consequence: frameshift variant.
Genome position (GRCh38, 1-based): chr2:47,803,501-47,803,502, CC replaced by T. VCF-style: chr2-47803501-CC-T. GRCh37 (hg19) VCF-style: chr2-48030640-CC-T.
Other names: c.2864_2865delinsT, p.Thr955fs (NM_001281492.2); c.2348_2349delinsT, p.Thr783fs (NM_001281493.2, NM_001281494.2); c.3254_3255delCCinsT (NM_000179.2); short protein forms T1085fs, T783fs, T955fs.
Identifiers: ClinVar variation 545819 (VCV000545819.4), dbSNP rs1553331378, ClinGen allele CA658822262.
Genomic context (GRCh38, chr2:47,803,501, plus strand): 5'-ACTATAGTCGAGGGGGTGATGGTCCTATGTGTCGCCCAGTAATTCTGTTGCCGGAAGATA[CC>T]CCCCCCTTCTTAGAGCTTAAAGGATCACGCCATCCTTGCATTACGAAGACTTTTTTTGGA-3'

ClinVar aggregate classification (germline): Pathogenic. Review status: criteria provided, multiple submitters, no conflicts (2 of 4 stars). 3 submissions from 3 submitters: Pathogenic (3). Last evaluated 2026-01-29.

Conditions:
Hereditary cancer-predisposing syndrome. Also called: Hereditary neoplastic syndrome; Tumor predisposition; Hereditary Cancer Syndrome; Neoplastic Syndromes, Hereditary. Identifiers: Orphanet 140162, MedGen C0027672, MeSH D009386, MONDO:0015356.
Lynch syndrome 5 (LYNCH5). Also called: Colorectal cancer, hereditary nonpolyposis, type 5; Hereditary non-polyposis colorectal cancer, type 5. Identifiers: Orphanet 144, MedGen C1833477, MONDO:0013710, OMIM 614350. Disease mechanism: loss of function.

Submissions (3):

Myriad Genetics, Inc.
Classification: Pathogenic for Lynch syndrome 5. Last evaluated: 2026-01-29. Review status: criteria provided, single submitter. Criteria: Myriad Autosomal Dominant, Autosomal Recessive and X-Linked Classification Criteria (2023). Collection method: clinical testing. Allele origin: unknown.
Comment: This variant is considered pathogenic. This variant creates a frameshift predicted to result in premature protein truncation.

Ambry Genetics
Classification: Pathogenic for Hereditary cancer-predisposing syndrome. Last evaluated: 2024-07-16. Review status: criteria provided, single submitter. Criteria: Ambry Variant Classification Scheme 2023. Collection method: clinical testing. Allele origin: germline.
Comment: The c.3254_3255delCCinsT pathogenic mutation, located in coding exon 5 of the MSH6 gene, results from the deletion of two nucleotides and insertion of one nucleotide causing a translational frameshift with a predicted alternate stop codon (p.T1085Ifs*5). This variant is considered to be rare based on population cohorts in the Genome Aggregation Database (gnomAD). This alteration is expected to result in loss of function by premature protein truncation or nonsense-mediated mRNA decay. As such, this alteration is interpreted as a disease-causing mutation.

GeneDx
Classification: Pathogenic. Last evaluated: 2017-08-28. Review status: criteria provided, single submitter. Criteria: GeneDx Variant Classification (06012015). Collection method: clinical testing. Allele origin: germline. Affected: yes.
Comment: This combined deletion and insertion is denoted MSH6 c.3254_3255delCCinsT at the cDNA level and p.Thr1085IlefsX5 (T1085IfsX5) at the protein level. The normal sequence, with the bases that are deleted and inserted in brackets, is GATA[delCC][insT]CCCCCCT. The variant causes a frameshift which changes a Threonine to an Isoleucine at codon 1085, and creates a premature stop codon at position 5 of the new reading frame. Although this variant has not, to our knowledge, been reported in the literature, it is predicted to cause loss of normal protein function through either protein truncation or nonsense-mediated mRNA decay. We consider this variant to be pathogenic.